The following is an entry in ClinVar:

NM_000875.5(IGF1R):c.3007C>T (p.Arg1003Trp)

Gene: IGF1R (insulin like growth factor 1 receptor; plus strand). Cytogenetic location: 15q26.3.
Variant type: single nucleotide variant.
Coding change: c.3007C>T on transcript NM_000875.5 (MANE Select); coding-DNA position 3007, C replaced by T.
Protein change: p.Arg1003Trp; replaces arginine 1003 with tryptophan.
Molecular consequence: missense variant.
Genome position (GRCh38, 1-based): chr15:98,934,874, C>T. VCF-style: chr15-98934874-C-T. GRCh37 (hg19) VCF-style: chr15-99478103-C-T.
Other names: c.3004C>T, p.Arg1002Trp (NM_001291858.2); short protein forms R1002W, R1003W.
Identifiers: ClinVar variation 4773511 (VCV004773511.1).
Genomic context (GRCh38, chr15:98,934,874, plus strand): 5'-TCTTCTCCAGTGTACGTTCCTGATGAGTGGGAGGTGGCTCGGGAGAAGATCACCATGAGC[C>T]GGGAACTTGGGCAGGGGTCGTTTGGGATGGTCTATGAAGGAGTTGCCAAGGGTGTGGTGA-3'
Protein context (NP_000866.1, residues 993-1013): EVAREKITMS[Arg1003Trp]ELGQGSFGMV

ClinVar aggregate classification (germline): Uncertain significance (1 of 4 stars; one submission).

gnomAD v4.1: 1 of 1,614,084 alleles (0.000062%); highest among the groups gnomAD compares: Non-Finnish European, 0.000085%; no homozygotes.

Submission:

Labcorp Genetics (formerly Invitae), Labcorp
Classification: Uncertain significance. Last evaluated: 2025-11-04. Review status: criteria provided, single submitter. Criteria: Invitae Variant Classification Sherloc (09022015). Collection method: clinical testing. Allele origin: germline.
Comment: This sequence change replaces arginine, which is basic and polar, with tryptophan, which is neutral and slightly polar, at codon 1003 of the IGF1R protein (p.Arg1003Trp). This variant is not present in population databases (gnomAD no frequency). This variant has not been reported in the literature in individuals affected with IGF1R-related conditions. Invitae Evidence Modeling of protein sequence and biophysical properties (such as structural, functional, and spatial information, amino acid conservation, physicochemical variation, residue mobility, and thermodynamic stability) indicates that this missense variant is expected to disrupt IGF1R protein function with a positive predictive value of 80%. In summary, the available evidence is currently insufficient to determine the role of this variant in disease. Therefore, it has been classified as a Variant of Uncertain Significance.